The following is an entry in ClinVar:

NM_000093.5(COL5A1):c.786+1G>A

Gene: COL5A1 (collagen type V alpha 1 chain; plus strand). Cytogenetic location: 9q34.3.
Variant type: single nucleotide variant.
Coding change: c.786+1G>A on transcript NM_000093.5 (MANE Select); the canonical splice donor site of the intron after coding-DNA position 786, G replaced by A.
Molecular consequence: splice donor variant.
Genome position (GRCh38, 1-based): chr9:134,727,398, G>A. VCF-style: chr9-134727398-G-A. GRCh37 (hg19) VCF-style: chr9-137619244-G-A.
Other names: c.786+1G>A (NM_001278074.1).
Identifiers: ClinVar variation 1710040 (VCV001710040.7), dbSNP rs2490487778, ClinGen allele CA375446571.

ClinVar aggregate classification (germline): Pathogenic/Likely pathogenic. Review status: criteria provided, multiple submitters, no conflicts (2 of 4 stars). 2 submissions from 2 submitters: Pathogenic (1); Likely pathogenic (1). Last evaluated 2022-06-19.

Conditions:
Ehlers-Danlos syndrome, classic type, 1 (EDSCL1). Also called: EDS I; Ehlers-Danlos syndrome, type 1; EHLERS-DANLOS SYNDROME, GRAVIS TYPE; EHLERS-DANLOS SYNDROME, SEVERE CLASSIC TYPE; Ehlers-Danlos Syndrome, Classic Type, COL5A1-Related. Identifiers: MedGen C0268335, MONDO:0019567, OMIM 130000.

Submissions (2):

Labcorp Genetics (formerly Invitae), Labcorp
Classification: Pathogenic for Ehlers-Danlos syndrome, classic type, 1. Last evaluated: 2022-06-19. Review status: criteria provided, single submitter. Criteria: Invitae Variant Classification Sherloc (09022015). Collection method: clinical testing. Allele origin: germline.
Comment: For these reasons, this variant has been classified as Pathogenic. Algorithms developed to predict the effect of sequence changes on RNA splicing suggest that this variant may disrupt the consensus splice site. Disruption of this splice site has been observed in individuals with clinical features of Ehlers-Danlos syndrome (PMID: 28485813; Invitae). This variant is not present in population databases (gnomAD no frequency). This sequence change affects a donor splice site in intron 5 of the COL5A1 gene. It is expected to disrupt RNA splicing. Variants that disrupt the donor or acceptor splice site typically lead to a loss of protein function (PMID: 16199547), and loss-of-function variants in COL5A1 are known to be pathogenic (PMID: 23587214).

MGZ Medical Genetics Center
Classification: Likely pathogenic for Ehlers-Danlos syndrome, classic type, 1. Last evaluated: 2021-10-07. Review status: criteria provided, single submitter. Criteria: ACMG Guidelines, 2015. Collection method: clinical testing. Allele origin: germline. Affected: yes. Observed: 1 variant allele.
Comment: ACMG criteria applied: PVS1, PM2_SUP

Literature cited by the submitters: PubMed 28485813 (cited by Labcorp Genetics (formerly Invitae), Labcorp); PubMed 16199547 (cited by Labcorp Genetics (formerly Invitae), Labcorp); PubMed 23587214 (cited by Labcorp Genetics (formerly Invitae), Labcorp).